The following is an entry in ClinVar:

ClinVar aggregate classification (germline): Benign/Likely benign. Review status: criteria provided, multiple submitters, no conflicts (2 of 4 stars). 6 submissions from 6 submitters: Benign (3); Likely benign (2). 1 of the submissions does not count toward it. Last evaluated 2026-01-20.

Conditions:
Autosomal dominant nonsyndromic hearing loss 1. Also called: KONIGSMARK SYNDROME; DEAFNESS, AUTOSOMAL DOMINANT 1, WITH OR WITHOUT THROMBOCYTOPENIA. Identifiers: Orphanet 90635, MedGen C1852282, MONDO:0007424, OMIM 124900.
Progressive microcephaly-seizures-cortical blindness-developmental delay syndrome. Also called: Seizures, cortical blindness, and microcephaly syndrome. Identifiers: Orphanet 477814, MedGen C5567650, MONDO:0014714, OMIM 616632.
DIAPH1-related disorder. Also called: DIAPH1-related condition.

Allele frequency attached by ClinVar (database versions not stated): TOPMed 0.00008; gnomAD 0.00013; 1000 Genomes Project 0.00140; 1000 Genomes Project 30x 0.00172; ExAC 0.00427.
gnomAD v4.1: 877 of 1,545,202 alleles (0.057%); highest among the groups gnomAD compares: South Asian, 0.94%; 10 homozygotes.

Submissions (6):

Labcorp Genetics (formerly Invitae), Labcorp
Classification: Benign for Progressive microcephaly-seizures-cortical blindness-developmental delay syndrome; Autosomal dominant nonsyndromic hearing loss 1. Last evaluated: 2026-01-20. Review status: criteria provided, single submitter. Criteria: Invitae Variant Classification Sherloc (09022015). Collection method: clinical testing. Allele origin: germline.

CeGaT Center for Human Genetics Tuebingen
Classification: Likely benign. Last evaluated: 2025-12-01. Review status: criteria provided, single submitter. Criteria: CeGaT Center For Human Genetics Tuebingen Variant Classification Criteria Version 2. Collection method: clinical testing. Allele origin: germline. Affected: yes. Observed: 3 variant alleles.
Comment: DIAPH1: BP4, BS2

Mayo Clinic Laboratories, Mayo Clinic
Classification: Likely benign. Last evaluated: 2025-09-22. Review status: criteria provided, single submitter. Criteria: ACMG Guidelines, 2015. Collection method: clinical testing. Allele origin: germline. Observed: 2 variant alleles.
Comment: BS1, BS2_moderate

GeneDx
Classification: Benign. Last evaluated: 2019-03-12. Review status: criteria provided, single submitter. Criteria: GeneDx Variant Classification Process June 2021. Collection method: clinical testing. Allele origin: germline. Affected: yes.

Illumina Laboratory Services, Illumina
Classification: Benign for Autosomal dominant nonsyndromic hearing loss 1. Last evaluated: 2018-01-12. Review status: criteria provided, single submitter. Criteria: ICSL Variant Classification Criteria 13 December 2019. Collection method: clinical testing. Allele origin: germline.
Comment: This variant was observed in the ICSL laboratory as part of a predisposition screen in an ostensibly healthy population. It had not been previously curated by ICSL or reported in the Human Gene Mutation Database (HGMD: prior to June 1st, 2018), and was therefore a candidate for classification through an automated scoring system. Utilizing variant allele frequency, disease prevalence and penetrance estimates, and inheritance mode, an automated score was calculated to assess if this variant is too frequent to cause the disease. Based on the score and internal cut-off values, a variant classified as benign is not then subjected to further curation. The score for this variant resulted in a classification of benign for this disease.

PreventionGenetics, part of Exact Sciences
Classification: Likely benign for DIAPH1-related condition. Last evaluated: 2019-03-25. Review status: no assertion criteria provided. Collection method: clinical testing. Allele origin: germline. Not counted in ClinVar's aggregate classification.
Comment: This variant is classified as likely benign based on ACMG/AMP sequence variant interpretation guidelines (Richards et al. 2015 PMID: 25741868, with internal and published modifications).

NM_005219.5(DIAPH1):c.1964C>G (p.Pro655Arg)

Gene: DIAPH1 (diaphanous related formin 1; minus strand). Cytogenetic location: 5q31.3.
Variant type: single nucleotide variant.
Coding change: c.1964C>G on transcript NM_005219.5 (MANE Select); coding-DNA position 1964, C replaced by G.
Protein change: p.Pro655Arg; replaces proline 655 with arginine.
Molecular consequence: missense variant.
Genome position (GRCh38, 1-based): chr5:141,573,886, G>C on the plus strand (C>G on the coding strand, the complement: DIAPH1 is on the minus strand). VCF-style: chr5-141573886-G-C. GRCh37 (hg19) VCF-style: chr5-140953453-G-C.
Other names: p.Pro655Arg; c.1937C>G, p.Pro646Arg (NM_001079812.3); c.1964C>G, p.Pro655Arg (NM_001314007.2); short protein forms P655R, P646R.
Identifiers: ClinVar variation 542368 (VCV000542368.43), dbSNP rs367669306, ClinGen allele CA3479185.
Genomic context (GRCh38, chr5:141,573,886, plus strand): 5'-ATGGCAGTACCTCCAGGCAAAGAAGAGGGTGAAGGGATGCCAACACCCTCAGGCAAAGGA[G>C]GGGGTGGAGGGATGGTAGCATCCCCAGACAAAGGAGGGGGTGGAGAGATAGCAGTACCTC-3'
Protein context (NP_005210.3, residues 645-665): LSGDATIPPP[Pro655Arg]PLPEGVGIPS